The following is an entry in ClinVar:

ClinVar aggregate classification (germline): Uncertain significance (1 of 4 stars; one submission).

Conditions:
Alstrom syndrome (ALMS). Identifiers: Orphanet 64, MedGen C0268425, MONDO:0008763, OMIM 203800.

Allele frequency attached by ClinVar (database versions not stated): ExAC 0.00001; gnomAD 0.00001; gnomAD exomes 0.00001; TOPMed 0.00002.
gnomAD v4.1: 22 of 1,613,420 alleles (0.0014%); highest among the groups gnomAD compares: Non-Finnish European, 0.0019%; no homozygotes.

Submission:

Labcorp Genetics (formerly Invitae), Labcorp
Classification: Uncertain significance for Alstrom syndrome. Last evaluated: 2022-03-04. Review status: criteria provided, single submitter. Criteria: Invitae Variant Classification Sherloc (09022015). Collection method: clinical testing. Allele origin: germline.
Comment: This sequence change replaces proline, which is neutral and non-polar, with serine, which is neutral and polar, at codon 466 of the ALMS1 protein (p.Pro466Ser). This variant is present in population databases (rs774631882, gnomAD 0.0009%). This variant has not been reported in the literature in individuals affected with ALMS1-related conditions. Experimental studies and prediction algorithms are not available or were not evaluated, and the functional significance of this variant is currently unknown. In summary, the available evidence is currently insufficient to determine the role of this variant in disease. Therefore, it has been classified as a Variant of Uncertain Significance.

NM_001378454.1(ALMS1):c.1393C>T (p.Pro465Ser)

Gene: ALMS1 (ALMS1 centrosome and basal body associated protein; plus strand). Cytogenetic location: 2p13.1.
Variant type: single nucleotide variant.
Coding change: c.1393C>T on transcript NM_001378454.1 (MANE Select); coding-DNA position 1393, C replaced by T.
Protein change: p.Pro465Ser; replaces proline 465 with serine.
Molecular consequence: missense variant.
Genome position (GRCh38, 1-based): chr2:73,432,252, C>T. VCF-style: chr2-73432252-C-T. GRCh37 (hg19) VCF-style: chr2-73659380-C-T.
Other names: c.1396C>T, p.Pro466Ser (NM_015120.4); short protein forms P465S, P466S.
Identifiers: ClinVar variation 2162425 (VCV002162425.1), dbSNP rs774631882, ClinGen allele CA1713141.